The following is an entry in ClinVar:

NM_002641.4(PIGA):c.182T>C (p.Ile61Thr)

Gene: PIGA (phosphatidylinositol glycan anchor biosynthesis class A; minus strand). Cytogenetic location: Xp22.2.
Variant type: single nucleotide variant.
Coding change: c.182T>C on transcript NM_002641.4 (MANE Select); coding-DNA position 182, T replaced by C.
Protein change: p.Ile61Thr; replaces isoleucine 61 with threonine.
Molecular consequence: missense variant. On other transcripts: non-coding transcript variant (1), intron variant (1).
Genome position (GRCh38, 1-based): chrX:15,331,749, A>G on the plus strand (T>C on the coding strand, the complement: PIGA is on the minus strand). VCF-style: chrX-15331749-A-G. GRCh37 (hg19) VCF-style: chrX-15349871-A-G.
Other names: c.13+3752T>C (NM_020473.3); short protein forms I61T.
Identifiers: ClinVar variation 1035572 (VCV001035572.9), dbSNP rs1006798135, ClinGen allele CA326944955.

ClinVar aggregate classification (germline): Uncertain significance (1 of 4 stars; one submission).

Conditions:
Multiple congenital anomalies-hypotonia-seizures syndrome 2 (MCAHS2). Also called: EPILEPTIC ENCEPHALOPATHY, EARLY INFANTILE, 20; GLYCOSYLPHOSPHATIDYLINOSITOL BIOSYNTHESIS DEFECT 4. Identifiers: Orphanet 300496, MedGen C3275508, MONDO:0010466, OMIM 300868.

Allele frequency attached by ClinVar (database versions not stated): gnomAD exomes below 0.00001; gnomAD 0.00001; TOPMed 0.00003.
gnomAD v4.1: 2 of 1,210,584 alleles (0.00017%); highest among the groups gnomAD compares: Non-Finnish European, 0.00022%; no homozygotes.

Submission:

Labcorp Genetics (formerly Invitae), Labcorp
Classification: Uncertain significance for Multiple congenital anomalies-hypotonia-seizures syndrome 2. Last evaluated: 2020-08-21. Review status: criteria provided, single submitter. Criteria: Invitae Variant Classification Sherloc (09022015). Collection method: clinical testing. Allele origin: germline.
Comment: This sequence change replaces isoleucine with threonine at codon 61 of the PIGA protein (p.Ile61Thr). The isoleucine residue is highly conserved and there is a moderate physicochemical difference between isoleucine and threonine. In summary, the available evidence is currently insufficient to determine the role of this variant in disease. Therefore, it has been classified as a Variant of Uncertain Significance. Algorithms developed to predict the effect of missense changes on protein structure and function are either unavailable or do not agree on the potential impact of this missense change (SIFT: "Deleterious"; PolyPhen-2: "Probably Damaging"; Align-GVGD: "Class C0"). This variant has not been reported in the literature in individuals with PIGA-related conditions. This variant is not present in population databases (ExAC no frequency).